The following is an entry in ClinVar:

NM_004168.4(SDHA):c.800C>T (p.Thr267Met)

Gene: SDHA (succinate dehydrogenase complex flavoprotein subunit A; plus strand). Cytogenetic location: 5p15.33.
Variant type: single nucleotide variant.
Coding change: c.800C>T on transcript NM_004168.4 (MANE Select); coding-DNA position 800, C replaced by T.
Protein change: p.Thr267Met; replaces threonine 267 with methionine.
Molecular consequence: missense variant.
Genome position (GRCh38, 1-based): chr5:230,905, C>T. VCF-style: chr5-230905-C-T. GRCh37 (hg19) VCF-style: chr5-231020-C-T.
Other names: c.656C>T, p.Thr219Met (NM_001294332.2); c.800C>T, p.Thr267Met (NM_001330758.2); short protein forms T267M, T219M.
Identifiers: ClinVar variation 412394 (VCV000412394.15), dbSNP rs777167108, ClinGen allele CA3172997.

ClinVar aggregate classification (germline): Uncertain significance. Review status: criteria provided, multiple submitters, no conflicts (2 of 4 stars). 3 submissions from 3 submitters: Uncertain significance (3). Last evaluated 2025-08-07.

Conditions:
Neurodegeneration with ataxia and late-onset optic atrophy. Identifiers: MedGen C5543254, MONDO:0031006, OMIM 619259.
Mitochondrial complex II deficiency, nuclear type 1. Also called: SUCCINATE CoQ REDUCTASE DEFICIENCY. Identifiers: Orphanet 3208, MedGen C5700310, MONDO:0100294, OMIM 252011.
Pheochromocytoma/paraganglioma syndrome 5. Also called: SDHA-Related Hereditary Paraganglioma-Pheochromocytoma Syndrome; Paragangliomas 5. Identifiers: Orphanet 29072, MedGen C3279992, MONDO:0013602, OMIM 614165.
Hereditary cancer-predisposing syndrome. Also called: Neoplastic Syndromes, Hereditary; Hereditary Cancer Syndrome; Tumor predisposition; Hereditary neoplastic syndrome. Identifiers: Orphanet 140162, MedGen C0027672, MeSH D009386, MONDO:0015356.

Allele frequency attached by ClinVar (database versions not stated): gnomAD exomes below 0.00001 and 0.00001; ExAC 0.00002; gnomAD 0.00003.

Submissions (3):

Labcorp Genetics (formerly Invitae), Labcorp
Classification: Uncertain significance for Pheochromocytoma/paraganglioma syndrome 5; Mitochondrial complex II deficiency, nuclear type 1. Last evaluated: 2025-08-07. Review status: criteria provided, single submitter. Criteria: Invitae Variant Classification Sherloc (09022015). Collection method: clinical testing. Allele origin: germline.
Comment: This sequence change replaces threonine, which is neutral and polar, with methionine, which is neutral and non-polar, at codon 267 of the SDHA protein (p.Thr267Met). This variant is present in population databases (rs777167108, gnomAD 0.004%). This variant has not been reported in the literature in individuals affected with SDHA-related conditions. ClinVar contains an entry for this variant (Variation ID: 412394). Invitae Evidence Modeling of protein sequence and biophysical properties (such as structural, functional, and spatial information, amino acid conservation, physicochemical variation, residue mobility, and thermodynamic stability) has been performed for this missense variant. However, the output from this modeling did not meet the statistical confidence thresholds required to predict the impact of this variant on SDHA protein function. In summary, the available evidence is currently insufficient to determine the role of this variant in disease. Therefore, it has been classified as a Variant of Uncertain Significance.

Ambry Genetics
Classification: Uncertain significance for Hereditary cancer-predisposing syndrome. Last evaluated: 2022-03-17. Review status: criteria provided, single submitter. Criteria: Ambry Variant Classification Scheme 2023. Collection method: clinical testing. Allele origin: germline.
Comment: The p.T267M variant (also known as c.800C>T), located in coding exon 7 of the SDHA gene, results from a C to T substitution at nucleotide position 800. The threonine at codon 267 is replaced by methionine, an amino acid with similar properties. This amino acid position is highly conserved in available vertebrate species. In addition, this alteration is predicted to be deleterious by in silico analysis. Since supporting evidence is limited at this time, the clinical significance of this alteration remains unclear.

Institute for Medical Genetics and Human Genetics, Charité - Universitätsmedizin Berlin
Classification: Uncertain significance for Neurodegeneration with ataxia and late-onset optic atrophy. Review status: criteria provided, single submitter. Criteria: ACMG Guidelines, 2015. Collection method: not provided. Allele origin: germline. Affected: yes.

Literature cited by the submitters: PubMed 23060355 (cited by Ambry Genetics).